The following is an entry in ClinVar:

NM_024666.5(AAGAB):c.507T>A (p.Asn169Lys)

Gene: AAGAB (alpha and gamma adaptin binding protein; minus strand). Cytogenetic location: 15q23.
Variant type: single nucleotide variant.
Coding change: c.507T>A on transcript NM_024666.5 (MANE Select); coding-DNA position 507, T replaced by A.
Protein change: p.Asn169Lys; replaces asparagine 169 with lysine.
Molecular consequence: missense variant.
Genome position (GRCh38, 1-based): chr15:67,231,842, A>T on the plus strand (T>A on the coding strand, the complement: AAGAB is on the minus strand). VCF-style: chr15-67231842-A-T. GRCh37 (hg19) VCF-style: chr15-67524180-A-T.
Other names: c.180T>A, p.Asn60Lys (NM_001271885.2, NM_001271886.2); short protein forms N60K, N169K.
Identifiers: ClinVar variation 1463927 (VCV001463927.6), dbSNP rs757112292, ClinGen allele CA7627081.
Genomic context (GRCh38, chr15:67,231,842, plus strand): 5'-GAAAAAAATGACTTGAGTCCCAAGTTACTTACCATTCTTCATCACTACATTGGACCACAC[A>T]TTGGCATTCAGGGCTTGGACAATTCGCTTTACTCCTGTAGATTCTGGGAAGTCATCTAAT-3'
Protein context (NP_078942.3, residues 159-179): VKRIVQALNA[Asn169Lys]VWSNVVMKND

ClinVar aggregate classification (germline): Uncertain significance (1 of 4 stars; one submission).

Allele frequency attached by ClinVar (database versions not stated): gnomAD 0.00002; ExAC 0.00004; gnomAD exomes 0.00005.
gnomAD v4.1: 65 of 1,612,592 alleles (0.004%); highest among the groups gnomAD compares: South Asian, 0.071%; no homozygotes.

Submission:

Labcorp Genetics (formerly Invitae), Labcorp
Classification: Uncertain significance. Last evaluated: 2022-10-24. Review status: criteria provided, single submitter. Criteria: Invitae Variant Classification Sherloc (09022015). Collection method: clinical testing. Allele origin: germline.
Comment: This sequence change replaces asparagine, which is neutral and polar, with lysine, which is basic and polar, at codon 169 of the AAGAB protein (p.Asn169Lys). This variant is present in population databases (rs757112292, gnomAD 0.04%), and has an allele count higher than expected for a pathogenic variant. This variant has not been reported in the literature in individuals affected with AAGAB-related conditions. ClinVar contains an entry for this variant (Variation ID: 1463927). Algorithms developed to predict the effect of missense changes on protein structure and function are either unavailable or do not agree on the potential impact of this missense change (SIFT: "Deleterious"; PolyPhen-2: "Probably Damaging"; Align-GVGD: "Class C0"). In summary, the available evidence is currently insufficient to determine the role of this variant in disease. Therefore, it has been classified as a Variant of Uncertain Significance.